The following is an entry in ClinVar:

ClinVar aggregate classification (germline): Uncertain significance (1 of 4 stars; one submission).

Submission:

GeneDx
Classification: Uncertain significance. Last evaluated: 2025-08-08. Review status: criteria provided, single submitter. Criteria: GeneDx Variant Classification Process June 2021. Collection method: clinical testing. Allele origin: germline. Affected: yes.
Comment: Not observed at significant frequency in large population cohorts (gnomAD); In silico analysis suggests that this missense variant does not alter protein structure/function; Has not been previously published as pathogenic or benign to our knowledge

NM_001282531.3(ADNP):c.2876A>C (p.Gln959Pro)

Gene: ADNP (activity dependent neuroprotector homeobox; minus strand). Cytogenetic location: 20q13.13.
Variant type: single nucleotide variant.
Coding change: c.2876A>C on transcript NM_001282531.3 (MANE Select); coding-DNA position 2876, A replaced by C.
Protein change: p.Gln959Pro; replaces glutamine 959 with proline.
Molecular consequence: missense variant.
Genome position (GRCh38, 1-based): chr20:50,891,838, T>G on the plus strand (A>C on the coding strand, the complement: ADNP is on the minus strand). VCF-style: chr20-50891838-T-G. GRCh37 (hg19) VCF-style: chr20-49508375-T-G.
Other names: c.2876A>C, p.Gln959Pro (NM_001282532.2, NM_001347511.2, NM_015339.5 and 1 more transcripts); c.3092A>C, p.Gln1031Pro (NM_001439000.1); c.2192A>C, p.Gln731Pro (NM_001439001.1); short protein forms Q1031P, Q731P, Q959P.
Identifiers: ClinVar variation 4755958 (VCV004755958.1).
Genomic context (GRCh38, chr20:50,891,838, plus strand): 5'-TGGGATCCAGGCCCACTCTCAGATGGAGAAGCACCGTCTTTCCACTCAACAACATCGTCT[T>G]GGTCAACCTCACTATCAGATGCATTGTGCATTAGTTTGGTTGGTTCCTCAGTCAAATGAA-3'
Protein context (NP_001269460.1, residues 949-969): MHNASDSEVD[Gln959Pro]DDVVEWKDGA